The following is an entry in ClinVar:

ClinVar aggregate classification (germline): Uncertain significance (1 of 4 stars; one submission).

Submission:

Labcorp Genetics (formerly Invitae), Labcorp
Classification: Uncertain significance. Last evaluated: 2022-03-29. Review status: criteria provided, single submitter. Criteria: Invitae Variant Classification Sherloc (09022015). Collection method: clinical testing. Allele origin: germline.
Comment: This sequence change replaces alanine, which is neutral and non-polar, with glutamic acid, which is acidic and polar, at codon 686 of the CDH23 protein (p.Ala686Glu). In summary, the available evidence is currently insufficient to determine the role of this variant in disease. Therefore, it has been classified as a Variant of Uncertain Significance. Algorithms developed to predict the effect of missense changes on protein structure and function are either unavailable or do not agree on the potential impact of this missense change (SIFT: "Deleterious"; PolyPhen-2: "Not Available"; Align-GVGD: "Class C65"). This variant has not been reported in the literature in individuals affected with CDH23-related conditions. This variant is not present in population databases (gnomAD no frequency).

NM_022124.6(CDH23):c.2057C>A (p.Ala686Glu)

Gene: CDH23 (cadherin related 23; plus strand). Cytogenetic location: 10q22.1.
Variant type: single nucleotide variant.
Coding change: c.2057C>A on transcript NM_022124.6 (MANE Select); coding-DNA position 2057, C replaced by A.
Protein change: p.Ala686Glu; replaces alanine 686 with glutamic acid.
Molecular consequence: missense variant.
Genome position (GRCh38, 1-based): chr10:71,687,717, C>A. VCF-style: chr10-71687717-C-A. GRCh37 (hg19) VCF-style: chr10-73447474-C-A.
Other names: c.2057C>A, p.Ala686Glu (NM_001171930.2, NM_001171931.2); short protein forms A686E.
Identifiers: ClinVar variation 2119312 (VCV002119312.4), dbSNP rs2132694978, ClinGen allele CA377133518.